The following is an entry in ClinVar:

ClinVar aggregate classification (germline): Benign/Likely benign. Review status: criteria provided, multiple submitters, no conflicts (2 of 4 stars). 2 submissions from 2 submitters: Benign (1); Likely benign (1). Last evaluated 2026-02-01.

Allele frequency attached by ClinVar (database versions not stated): TOPMed 0.00002; gnomAD 0.00006; 1000 Genomes Project 30x 0.00031; 1000 Genomes Project 0.00040.
gnomAD v4.1: 433 of 1,614,024 alleles (0.027%); highest among the groups gnomAD compares: South Asian, 0.34%; 4 homozygotes.

Submissions (2):

CeGaT Center for Human Genetics Tuebingen
Classification: Likely benign. Last evaluated: 2026-02-01. Review status: criteria provided, single submitter. Criteria: CeGaT Center For Human Genetics Tuebingen Variant Classification Criteria Version 2. Collection method: clinical testing. Allele origin: germline. Affected: yes. Observed: 3 variant alleles.
Comment: HIVEP2: BP4, BP7

Labcorp Genetics (formerly Invitae), Labcorp
Classification: Benign. Last evaluated: 2025-10-18. Review status: criteria provided, single submitter. Criteria: Invitae Variant Classification Sherloc (09022015). Collection method: clinical testing. Allele origin: germline.

NM_006734.4(HIVEP2):c.6858T>A (p.Gly2286=)

Gene: HIVEP2 (HIVEP zinc finger 2; minus strand). Cytogenetic location: 6q24.2.
Variant type: single nucleotide variant.
Coding change: c.6858T>A on transcript NM_006734.4 (MANE Select); coding-DNA position 6858, T replaced by A.
Protein change: p.Gly2286=; no amino-acid change (glycine 2286 retained).
Molecular consequence: synonymous variant.
Genome position (GRCh38, 1-based): chr6:142,753,590, A>T on the plus strand (T>A on the coding strand, the complement: HIVEP2 is on the minus strand). VCF-style: chr6-142753590-A-T. GRCh37 (hg19) VCF-style: chr6-143074727-A-T.
Identifiers: ClinVar variation 758085 (VCV000758085.31), dbSNP rs368336925, ClinGen allele CA4027618.